The following is an entry in ClinVar:

ClinVar aggregate classification (germline): Uncertain significance (1 of 4 stars; one submission).

Submission:

Labcorp Genetics (formerly Invitae), Labcorp
Classification: Uncertain significance. Last evaluated: 2023-11-27. Review status: criteria provided, single submitter. Criteria: Invitae Variant Classification Sherloc (09022015). Collection method: clinical testing. Allele origin: germline.
Comment: This sequence change replaces serine, which is neutral and polar, with phenylalanine, which is neutral and non-polar, at codon 289 of the GHSR protein (p.Ser289Phe). This variant is not present in population databases (gnomAD no frequency). This variant has not been reported in the literature in individuals affected with GHSR-related conditions. ClinVar contains an entry for this variant (Variation ID: 1949226). Advanced modeling of protein sequence and biophysical properties (such as structural, functional, and spatial information, amino acid conservation, physicochemical variation, residue mobility, and thermodynamic stability) performed at Invitae indicates that this missense variant is not expected to disrupt GHSR protein function with a negative predictive value of 80%. In summary, the available evidence is currently insufficient to determine the role of this variant in disease. Therefore, it has been classified as a Variant of Uncertain Significance.

NM_198407.2(GHSR):c.866C>T (p.Ser289Phe)

Gene: GHSR (growth hormone secretagogue receptor; minus strand). Cytogenetic location: 3q26.31.
Variant type: single nucleotide variant.
Coding change: c.866C>T on transcript NM_198407.2 (MANE Select); coding-DNA position 866, C replaced by T.
Protein change: p.Ser289Phe; replaces serine 289 with phenylalanine.
Molecular consequence: missense variant.
Genome position (GRCh38, 1-based): chr3:172,445,396, G>A on the plus strand (C>T on the coding strand, the complement: GHSR is on the minus strand). VCF-style: chr3-172445396-G-A. GRCh37 (hg19) VCF-style: chr3-172163186-G-A.
Other names: short protein forms S289F.
Identifiers: ClinVar variation 1949226 (VCV001949226.5), dbSNP rs750378561, ClinGen allele CA355512537.